The following is an entry in ClinVar:

NM_016333.4(SRRM2):c.4857T>A (p.Asp1619Glu)

Gene: SRRM2 (serine/arginine repetitive matrix 2; plus strand). Cytogenetic location: 16p13.3.
Variant type: single nucleotide variant.
Coding change: c.4857T>A on transcript NM_016333.4 (MANE Select); coding-DNA position 4857, T replaced by A.
Protein change: p.Asp1619Glu; replaces aspartic acid 1619 with glutamic acid.
Molecular consequence: missense variant.
Genome position (GRCh38, 1-based): chr16:2,765,385, T>A. VCF-style: chr16-2765385-T-A. GRCh37 (hg19) VCF-style: chr16-2815386-T-A.
Other names: short protein forms D1619E.
Identifiers: ClinVar variation 4795355 (VCV004795355.1).
Genomic context (GRCh38, chr16:2,765,385, plus strand): 5'-TTCCTCCCCTGAAGTGAAAGATAAGCCAAGAGCAGCACCCAGGGCACAGAGTGGTTCTGA[T>A]TCCTCTCCTGAACCTAAAGCTCCAGCCCCTCGGGCCCTTCCCAGACGAAGCAGATCAGGT-3'
Protein context (NP_057417.3, residues 1609-1629): RAAPRAQSGS[Asp1619Glu]SSPEPKAPAP

ClinVar aggregate classification (germline): Uncertain significance (1 of 4 stars; one submission).

Submission:

GeneDx
Classification: Uncertain significance. Last evaluated: 2025-08-15. Review status: criteria provided, single submitter. Criteria: GeneDx Variant Classification Process June 2021. Collection method: clinical testing. Allele origin: germline. Affected: yes.
Comment: Not observed at significant frequency in large population cohorts (gnomAD); In silico analysis suggests that this missense variant does not alter protein structure/function; Has not been previously published as pathogenic or benign to our knowledge